The following is an entry in ClinVar:

ClinVar aggregate classification (germline): Uncertain significance (1 of 4 stars; one submission).

Submission:

GeneDx
Classification: Uncertain significance. Last evaluated: 2026-02-09. Review status: criteria provided, single submitter. Criteria: GeneDx Variant Classification Process June 2021. Collection method: clinical testing. Allele origin: germline.
Comment: Has not been previously published as pathogenic or benign to our knowledge; In silico analysis supports that this missense variant has a deleterious effect on protein structure/function; Not observed at significant frequency in large population cohorts (gnomAD)

NM_006445.4(PRPF8):c.5325G>T (p.Gln1775His)

Gene: PRPF8 (pre-mRNA processing factor 8; minus strand). Cytogenetic location: 17p13.3.
Variant type: single nucleotide variant.
Coding change: c.5325G>T on transcript NM_006445.4 (MANE Select); coding-DNA position 5325, G replaced by T.
Protein change: p.Gln1775His; replaces glutamine 1775 with histidine.
Molecular consequence: missense variant.
Genome position (GRCh38, 1-based): chr17:1,658,577, C>A on the plus strand (G>T on the coding strand, the complement: PRPF8 is on the minus strand). VCF-style: chr17-1658577-C-A. GRCh37 (hg19) VCF-style: chr17-1561871-C-A.
Other names: short protein forms Q1775H.
Identifiers: ClinVar variation 3359794 (VCV003359794.2).